The following is an entry in ClinVar:

ClinVar aggregate classification (germline): Uncertain significance (1 of 4 stars; one submission).

Conditions:
Nephronophthisis 14 (NPHP14). Identifiers: Orphanet 2318, MedGen C3539071, MONDO:0013916, OMIM 614844.

Allele frequency attached by ClinVar (database versions not stated): ExAC 0.00008; gnomAD exomes 0.00010 and 0.00011; gnomAD 0.00014 and 0.00017; TOPMed 0.00029; 1000 Genomes Project 30x 0.00062; 1000 Genomes Project 0.00080.
gnomAD v4.1: 179 of 1,607,904 alleles (0.011%); highest among the groups gnomAD compares: East Asian, 0.31%; no homozygotes.

Submission:

Labcorp Genetics (formerly Invitae), Labcorp
Classification: Uncertain significance for Nephronophthisis 14. Last evaluated: 2022-10-17. Review status: criteria provided, single submitter. Criteria: Invitae Variant Classification Sherloc (09022015). Collection method: clinical testing. Allele origin: germline.
Comment: This sequence change replaces alanine, which is neutral and non-polar, with threonine, which is neutral and polar, at codon 319 of the ZNF423 protein (p.Ala319Thr). This variant is present in population databases (rs199919703, gnomAD 0.08%). This variant has not been reported in the literature in individuals affected with ZNF423-related conditions. ClinVar contains an entry for this variant (Variation ID: 845605). Advanced modeling of protein sequence and biophysical properties (such as structural, functional, and spatial information, amino acid conservation, physicochemical variation, residue mobility, and thermodynamic stability) performed at Invitae indicates that this missense variant is not expected to disrupt ZNF423 protein function. In summary, the available evidence is currently insufficient to determine the role of this variant in disease. Therefore, it has been classified as a Variant of Uncertain Significance.

NM_001379286.1(ZNF423):c.979G>A (p.Ala327Thr)

Gene: ZNF423 (zinc finger protein 423; minus strand). Cytogenetic location: 16q12.1.
Variant type: single nucleotide variant.
Coding change: c.979G>A on transcript NM_001379286.1 (MANE Select); coding-DNA position 979, G replaced by A.
Protein change: p.Ala327Thr; replaces alanine 327 with threonine.
Molecular consequence: missense variant.
Genome position (GRCh38, 1-based): chr16:49,638,197, C>T on the plus strand (G>A on the coding strand, the complement: ZNF423 is on the minus strand). VCF-style: chr16-49638197-C-T. GRCh37 (hg19) VCF-style: chr16-49672108-C-T.
Other names: c.775G>A, p.Ala259Thr (NM_001271620.2); c.604G>A, p.Ala202Thr (NM_001330533.2); c.955G>A, p.Ala319Thr (NM_015069.5); short protein forms A259T, A319T, A202T, A327T.
Identifiers: ClinVar variation 845605 (VCV000845605.5), dbSNP rs199919703, ClinGen allele CA8046776.